The following is an entry in ClinVar:

ClinVar aggregate classification (germline): Conflicting classifications of pathogenicity. Review status: criteria provided, conflicting classifications (1 of 4 stars). 11 submissions from 11 submitters: Uncertain significance (8); Likely benign (1). 2 of the submissions do not count toward it. Last evaluated 2025-10-01.

Conditions:
Hereditary cancer-predisposing syndrome. Also called: Tumor predisposition; Neoplastic Syndromes, Hereditary; Hereditary neoplastic syndrome; Hereditary Cancer Syndrome. Identifiers: Orphanet 140162, MedGen C0027672, MeSH D009386, MONDO:0015356.
Breast-ovarian cancer, familial, susceptibility to, 2 (BROVCA2). Also called: BRCA2 Hereditary Breast and Ovarian Cancer. Identifiers: Orphanet 145, MedGen C2675520, MONDO:0012933, OMIM 612555. Disease mechanism: loss of function.
Hereditary breast ovarian cancer syndrome. Also called: Hereditary breast and/or ovarian cancer syndrome; Hereditary breast and ovarian cancer syndrome (HBOC); Breast and ovarian cancer; Hereditary breast and ovarian cancer; BRCA1- and BRCA2-Associated Hereditary Breast and Ovarian Cancer; Hereditary breast and ovarian cancer syndrome. Identifiers: Orphanet 145, MedGen C0677776, MeSH D061325, MONDO:0003582. Disease mechanism: loss of function.

Allele frequency attached by ClinVar (database versions not stated): gnomAD exomes below 0.00001; ExAC 0.00001.
gnomAD v4.1: 4 of 1,611,368 alleles (0.00025%); highest among the groups gnomAD compares: Non-Finnish European, 0.00034%; no homozygotes.

Submissions (11):

Ambry Genetics
Classification: Uncertain significance for Hereditary cancer-predisposing syndrome. Last evaluated: 2025-10-01. Review status: criteria provided, single submitter. Criteria: Ambry Variant Classification Scheme 2023. Collection method: clinical testing. Allele origin: germline.
Comment: The p.L452P variant (also known as c.1355T>C), located in coding exon 9 of the BRCA2 gene, results from a T to C substitution at nucleotide position 1355. The leucine at codon 452 is replaced by proline, an amino acid with similar properties. This amino acid position is poorly conserved in available vertebrate species. In addition, this alteration is predicted to be tolerated by in silico analysis. Since supporting evidence is limited at this time, the clinical significance of this alteration remains unclear.

Labcorp Genetics (formerly Invitae), Labcorp
Classification: Uncertain significance for Hereditary breast ovarian cancer syndrome. Last evaluated: 2025-10-01. Review status: criteria provided, single submitter. Criteria: Invitae Variant Classification Sherloc (09022015). Collection method: clinical testing. Allele origin: germline.
Comment: This sequence change replaces leucine, which is neutral and non-polar, with proline, which is neutral and non-polar, at codon 452 of the BRCA2 protein (p.Leu452Pro). This variant is present in population databases (rs753512842, gnomAD 0.0009%). This missense change has been observed in individual(s) with clinical features of BRCA2-related conditions (PMID: 21520333). ClinVar contains an entry for this variant (Variation ID: 225738). Invitae Evidence Modeling of protein sequence and biophysical properties (such as structural, functional, and spatial information, amino acid conservation, physicochemical variation, residue mobility, and thermodynamic stability) indicates that this missense variant is not expected to disrupt BRCA2 protein function with a negative predictive value of 95%. In summary, the available evidence is currently insufficient to determine the role of this variant in disease. Therefore, it has been classified as a Variant of Uncertain Significance.

Quest Diagnostics Nichols Institute San Juan Capistrano
Classification: Uncertain significance. Last evaluated: 2024-03-20. Review status: criteria provided, single submitter. Criteria: Quest Diagnostics criteria. Collection method: clinical testing. Allele origin: unknown.
Comment: The BRCA2 c.1355T>C (p.Leu452Pro) variant has been reported in the published literature in a large scale breast cancer association study, the variant was observed in an individual with breast cancer as well as in reportedly healthy individuals (PMID: 33471991 (2021), see also LOVD). Additionally, this variant has been reported to be located in a region of the BRCA2 gene that is tolerant to missense sequence changes (PMID: 31911673 (2020)). The frequency of this variant in the general population, 0.000004 (1/247608 chromosomes (Genome Aggregation Database)), is uninformative in the assessment of its pathogenicity. Analysis of this variant using bioinformatics tools for the prediction of the effect of amino acid changes on protein structure and function yielded predictions that this variant is benign. Based on the available information, we are unable to determine the clinical significance of this variant.

All of Us Research Program, National Institutes of Health
Classification: Uncertain significance for Breast-ovarian cancer, familial, susceptibility to, 2. Last evaluated: 2023-11-30. Review status: criteria provided, single submitter. Criteria: ACMG Guidelines, 2015. Collection method: clinical testing. Allele origin: germline. Inheritance: Autosomal dominant inheritance. Observed: 1 variant allele, 1 heterozygote.
Comment: This missense variant replaces leucine with proline at codon 452 of the BRCA2 protein. Computational prediction suggests that this variant may not impact protein structure and function (internally defined REVEL score threshold <= 0.5, PMID: 27666373). To our knowledge, functional studies have not been reported for this variant. This variant has not been reported in individuals affected with hereditary cancer in the literature. This variant has been identified in 1/247608 chromosomes in the general population by the Genome Aggregation Database (gnomAD). The available evidence is insufficient to determine the role of this variant in disease conclusively. Therefore, this variant is classified as a Variant of Uncertain Significance.

This study involves interpretation of variants in research participants for the purpose of population health screening. Participant phenotype was not available at the time of variant classification. Additional details can be found in publication PMID: 35346344, PMCID: PMC8962531

University of Washington Department of Laboratory Medicine, University of Washington
Classification: Likely benign for Hereditary cancer-predisposing syndrome. Last evaluated: 2023-03-23. Review status: criteria provided, single submitter. Criteria: Dines et al. (Genet Med. 2020). Collection method: curation. Allele origin: germline.
Comment: Missense variant in a coldspot region where missense variants are very unlikely to be pathogenic (PMID:31911673).

BRCA2 exon 10 coldspot. Reclassification based on statistical prior probability.

Sema4
Classification: Uncertain significance for Hereditary cancer-predisposing syndrome. Last evaluated: 2021-07-27. Review status: criteria provided, single submitter. Criteria: Sema4 Curation Guidelines. Collection method: curation. Allele origin: germline.
Comment: The BRCA2 c.1355T>C (p.L452P) variant has been reported in heterozygosity in at least one individual with breast cancer (PMID: 33471991). However, it was also reported in two healthy control individuals in this same study. This variant was observed in 1/112696 chromosomes in the European (non-Finnish) population according to the Genome Aggregation Database (PMID: 32461654) and has been reported in ClinVar (Variation ID: 225738). Functional studies have not been performed, and in silico predictions of the variant's effect on protein function are inconclusive. Based on the current evidence available, this variant is interpreted as a variant of uncertain significance.

Color Diagnostics, LLC DBA Color Health
Classification: Uncertain significance for Hereditary cancer-predisposing syndrome. Last evaluated: 2020-08-05. Review status: criteria provided, single submitter. Criteria: ACMG Guidelines, 2015. Collection method: clinical testing. Allele origin: germline.
Comment: This missense variant replaces leucine with proline at codon 452 of the BRCA2 protein. Computational prediction suggests that this variant may not impact protein structure and function (internally defined REVEL score threshold <= 0.5, PMID: 27666373). To our knowledge, functional studies have not been reported for this variant. This variant has not been reported in individuals affected with hereditary cancer in the literature. This variant has been identified in 1/247608 chromosomes in the general population by the Genome Aggregation Database (gnomAD). The available evidence is insufficient to determine the role of this variant in disease conclusively. Therefore, this variant is classified as a Variant of Uncertain Significance.

Molecular Genetics Laboratory, University of Michigan
Classification: Uncertain significance for Breast-ovarian cancer, familial, susceptibility to, 2. Last evaluated: 2016-04-21. Review status: criteria provided, single submitter. Criteria: ACMG Guidelines, 2015. Collection method: clinical testing. Allele origin: germline. Affected: yes.

GeneDx
Classification: Uncertain significance. Last evaluated: 2015-09-10. Review status: criteria provided, single submitter. Criteria: GeneDx Variant Classification (06012015). Collection method: clinical testing. Allele origin: germline. Affected: yes.
Comment: This variant is denoted BRCA2 c.1355T>C at the cDNA level, p.Leu452Pro (L452P) at the protein level, and results in the change of a Leucine to a Proline (CTA>CCA). Using alternate nomenclature, this variant would be defined as BRCA2 1583T>C. This variant has not, to our knowledge, been published in the literature as pathogenic or benign. BRCA2 Leu452Pro was not observed in approximately 6,500 individuals of European and African American ancestry in the NHLBI Exome Sequencing Project, indicating it is not a common benign variant in these populations. Since Leucine and Proline differ in some properties, this is considered a semi-conservative amino acid substitution. BRCA2 Leu452Pro occurs at a position that is not conserved and is not located in a known functional domain (UniProt). In silico analyses predict that this variant is unlikely to alter protein structure or function. Based on currently available information, it is unclear whether BRCA2 Leu452Pro is pathogenic or benign. We consider it to be a variant of uncertain significance.

Clinical Genetics DNA and cytogenetics Diagnostics Lab, Erasmus MC, Erasmus Medical Center
Classification: Likely benign. Review status: no assertion criteria provided. Collection method: clinical testing. Allele origin: germline. Affected: yes. Study: VKGL Data-share Consensus. Not counted in ClinVar's aggregate classification.

Clinical Genetics Laboratory, Department of Pathology, Netherlands Cancer Institute
Classification: Likely benign. Review status: no assertion criteria provided. Collection method: clinical testing. Allele origin: germline. Affected: yes. Study: VKGL Data-share Consensus. Not counted in ClinVar's aggregate classification.

Literature cited by the submitters: PubMed 21520333 (cited by Labcorp Genetics (formerly Invitae), Labcorp); PubMed 33471991 (cited by Quest Diagnostics Nichols Institute San Juan Capistrano and Sema4); PubMed 31911673 (cited by Quest Diagnostics Nichols Institute San Juan Capistrano).

NM_000059.4(BRCA2):c.1355T>C (p.Leu452Pro)

Gene: BRCA2 (BRCA2 DNA repair associated; plus strand). Cytogenetic location: 13q13.1.
Variant type: single nucleotide variant.
Coding change: c.1355T>C on transcript NM_000059.4 (MANE Select); coding-DNA position 1355, T replaced by C.
Protein change: p.Leu452Pro; replaces leucine 452 with proline.
Molecular consequence: missense variant.
Genome position (GRCh38, 1-based): chr13:32,332,833, T>C. VCF-style: chr13-32332833-T-C. GRCh37 (hg19) VCF-style: chr13-32906970-T-C.
Other names: short protein forms L452P.
Identifiers: ClinVar variation 225738 (VCV000225738.27), dbSNP rs753512842, ClinGen allele CA6940510.